The following is an entry in ClinVar:

NM_001875.5(CPS1):c.3033G>C (p.Val1011=)

Gene: CPS1 (carbamoyl-phosphate synthase 1; plus strand). Cytogenetic location: 2q34.
Variant type: single nucleotide variant.
Coding change: c.3033G>C on transcript NM_001875.5 (MANE Select); coding-DNA position 3033, G replaced by C.
Protein change: p.Val1011=; no amino-acid change (valine 1011 retained).
Molecular consequence: synonymous variant. On other transcripts: non-coding transcript variant (2).
Genome position (GRCh38, 1-based): chr2:210,642,557, G>C. VCF-style: chr2-210642557-G-C. GRCh37 (hg19) VCF-style: chr2-211507281-G-C.
Other names: c.3033G>C, p.Val1011= (NM_001122633.3, NM_001369257.1); c.3066G>C, p.Val1022= (NM_001369256.1); c.3033G>C (LRG_336t1).
Identifiers: ClinVar variation 382785 (VCV000382785.43), dbSNP rs35374255, ClinGen allele CA2086825.

ClinVar aggregate classification (germline): Benign/Likely benign. Review status: criteria provided, multiple submitters, no conflicts (2 of 4 stars). 5 submissions from 5 submitters: Benign (1); Likely benign (3). 1 of the submissions does not count toward it. Last evaluated 2026-01-25.

Conditions:
Congenital hyperammonemia, type I. Also called: Carbamoyl-phosphate synthase I deficiency; Carbamoyl phosphate synthetase I deficiency disease; CPS I DEFICIENCY; Carbamoyl phosphate synthetase 1 deficiency; Hyperammonemia due to carbamoyl phosphate synthetase 1 deficiency; CPS 1 deficiency. Identifiers: Orphanet 147, MedGen C4082171, MONDO:0009376, OMIM 237300.

Allele frequency attached by ClinVar (database versions not stated): gnomAD exomes 0.00022 and 0.00047; ExAC 0.00055; 1000 Genomes Project 0.00060; 1000 Genomes Project 30x 0.00078; ESP Exome Variant Server 0.00154; gnomAD 0.00206 and 0.00230; TOPMed 0.00228.
gnomAD v4.1: 646 of 1,614,058 alleles (0.04%); highest among the groups gnomAD compares: African/African-American, 0.78%; 5 homozygotes.

Submissions (5):

Labcorp Genetics (formerly Invitae), Labcorp
Classification: Benign for Congenital hyperammonemia, type I. Last evaluated: 2026-01-25. Review status: criteria provided, single submitter. Criteria: Invitae Variant Classification Sherloc (09022015). Collection method: clinical testing. Allele origin: germline.

CeGaT Center for Human Genetics Tuebingen
Classification: Likely benign. Last evaluated: 2022-04-01. Review status: criteria provided, single submitter. Criteria: CeGaT Center For Human Genetics Tuebingen Variant Classification Criteria Version 2. Collection method: clinical testing. Allele origin: germline. Affected: yes. Observed: 1 variant allele.
Comment: CPS1: BP4, BP7

GeneDx
Classification: Likely benign. Last evaluated: 2018-04-17. Review status: criteria provided, single submitter. Criteria: GeneDx Variant Classification Process June 2021. Collection method: clinical testing. Allele origin: germline. Affected: yes.

Illumina Laboratory Services, Illumina
Classification: Likely benign for Congenital hyperammonemia, type I. Last evaluated: 2018-01-13. Review status: criteria provided, single submitter. Criteria: ICSL Variant Classification Criteria 13 December 2019. Collection method: clinical testing. Allele origin: germline.
Comment: This variant was observed in the ICSL laboratory as part of a predisposition screen in an ostensibly healthy population. It had not been previously curated by ICSL or reported in the Human Gene Mutation Database (HGMD: prior to June 1st, 2018), and was therefore a candidate for classification through an automated scoring system. Utilizing variant allele frequency, disease prevalence and penetrance estimates, and inheritance mode, an automated score was calculated to assess if this variant is too frequent to cause the disease. Based on the score and internal cut-off values, a variant classified as likely benign is not then subjected to further curation. The score for this variant resulted in a classification of likely benign for this disease.

Natera, Inc.
Classification: Benign for Carbamoyl-phosphate synthase I deficiency. Last evaluated: 2019-12-03. Review status: no assertion criteria provided. Collection method: clinical testing. Allele origin: germline. Not counted in ClinVar's aggregate classification.